The following is an entry in ClinVar:

ClinVar aggregate classification (germline): Uncertain significance (1 of 4 stars; one submission).

Submission:

GeneDx
Classification: Uncertain significance. Last evaluated: 2026-03-23. Review status: criteria provided, single submitter. Criteria: GeneDx Variant Classification Process June 2021. Collection method: clinical testing. Allele origin: germline.
Comment: Not observed at significant frequency in large population cohorts (gnomAD); In silico analysis supports that this missense variant has a deleterious effect on protein structure/function; Has not been previously published as pathogenic or benign to our knowledge

NM_006593.4(TBR1):c.1306T>C (p.Phe436Leu)

Gene: TBR1 (T-box brain transcription factor 1; plus strand). Cytogenetic location: 2q24.2.
Variant type: single nucleotide variant.
Coding change: c.1306T>C on transcript NM_006593.4 (MANE Select); coding-DNA position 1306, T replaced by C.
Protein change: p.Phe436Leu; replaces phenylalanine 436 with leucine.
Molecular consequence: missense variant.
Genome position (GRCh38, 1-based): chr2:161,423,484, T>C. VCF-style: chr2-161423484-T-C. GRCh37 (hg19) VCF-style: chr2-162279995-T-C.
Other names: short protein forms F436L.
Identifiers: ClinVar variation 4282320 (VCV004282320.2).
Genomic context (GRCh38, chr2:161,423,484, plus strand): 5'-CGCTCGCAGATCGTGCCCGGGGCCCGCTACGCCATGGCCGGCTCTTTCCTGCAGGACCAG[T>C]TCGTGAGCAACTACGCCAAGGCCCGCTTCCACCCGGGCGCGGGCGCGGGCCCCGGGCCGG-3'
Protein context (NP_006584.1, residues 426-446): AMAGSFLQDQ[Phe436Leu]VSNYAKARFH